The following is an entry in ClinVar:

ClinVar aggregate classification (germline): Uncertain significance (1 of 4 stars; one submission).

Conditions:
Primary ciliary dyskinesia. Also called: Ciliary dyskinesia. Identifiers: Orphanet 244, MedGen C0008780, MONDO:0016575, HP:0012265.

Allele frequency attached by ClinVar (database versions not stated): gnomAD 0.00001; ExAC 0.00002; gnomAD exomes 0.00002.
gnomAD v4.1: 28 of 1,517,720 alleles (0.0018%); highest among the groups gnomAD compares: Non-Finnish European, 0.0025%; no homozygotes.

Submission:

Labcorp Genetics (formerly Invitae), Labcorp
Classification: Uncertain significance for Primary ciliary dyskinesia. Last evaluated: 2022-06-27. Review status: criteria provided, single submitter. Criteria: Invitae Variant Classification Sherloc (09022015). Collection method: clinical testing. Allele origin: germline.
Comment: This sequence change falls in intron 63 of the DNAH11 gene. It does not directly change the encoded amino acid sequence of the DNAH11 protein. It affects a nucleotide within the consensus splice site. The frequency data for this variant in the population databases is considered unreliable, as metrics indicate poor data quality at this position in the gnomAD database. This variant has not been reported in the literature in individuals affected with DNAH11-related conditions. Variants that disrupt the consensus splice site are a relatively common cause of aberrant splicing (PMID: 17576681, 9536098). Algorithms developed to predict the effect of sequence changes on RNA splicing suggest that this variant is not likely to affect RNA splicing. In summary, the available evidence is currently insufficient to determine the role of this variant in disease. Therefore, it has been classified as a Variant of Uncertain Significance.

Literature cited by the submitters: PubMed 17576681; PubMed 9536098.

NM_001277115.2(DNAH11):c.10332+3A>G

Gene: DNAH11 (dynein axonemal heavy chain 11; plus strand). Cytogenetic location: 7p15.3.
Variant type: single nucleotide variant.
Coding change: c.10332+3A>G on transcript NM_001277115.2 (MANE Select); 3 bases into the intron after coding-DNA position 10332, A replaced by G.
Molecular consequence: intron variant.
Genome position (GRCh38, 1-based): chr7:21,808,052, A>G. VCF-style: chr7-21808052-A-G. GRCh37 (hg19) VCF-style: chr7-21847670-A-G.
Identifiers: ClinVar variation 1477852 (VCV001477852.3), dbSNP rs774841011, ClinGen allele CA4182320.